The following is an entry in ClinVar:

ClinVar aggregate classification (germline): Benign (1 of 4 stars; one submission).

Submission:

ISCA site 4
Classification: Benign. Last evaluated: 2011-08-12. Review status: criteria provided, single submitter. Criteria: Kaminsky et al. (Genet Med. 2011). Collection method: clinical testing. Allele origin: unknown. Affected: yes. Observed: 1 variant allele.
Comment: Copy number variation identified through the course of routine clinical cytogenomic testing in postnatal populations. Clinical assertions have been curated as described in Kaminsky et al. 2011.

GRCh37/hg19 1q21.2(chr1:149041013-149699420)x3

Genes: FAM72C (family with sequence similarity 72 member C; minus strand), PPIAL4C (peptidylprolyl isomerase A like 4C; plus strand), TRH-GTG2-1 (tRNA-His (GTG) 2-1). Cytogenetic location: 1q21.2.
Variant type: copy number gain.
Change: copy number 3 (three copies instead of two) of chr1:149,041,013-149,699,420 (658.4 kb, GRCh37 coordinates, 1-based), cytogenetic band 1q21.2.
Identifiers: ClinVar variation 161078 (VCV000161078.1).